The following is an entry in ClinVar:

NM_004211.5(SLC6A5):c.1169G>T (p.Gly390Val)

Gene: SLC6A5 (solute carrier family 6 member 5; plus strand). Cytogenetic location: 11p15.1.
Variant type: single nucleotide variant.
Coding change: c.1169G>T on transcript NM_004211.5 (MANE Select); coding-DNA position 1169, G replaced by T.
Protein change: p.Gly390Val; replaces glycine 390 with valine.
Molecular consequence: missense variant.
Genome position (GRCh38, 1-based): chr11:20,617,793, G>T. VCF-style: chr11-20617793-G-T. GRCh37 (hg19) VCF-style: chr11-20639339-G-T.
Other names: c.467G>T, p.Gly156Val (NM_001318369.2); short protein forms G390V, G156V.
Identifiers: ClinVar variation 304017 (VCV000304017.11), dbSNP rs140296233, ClinGen allele CA5921341.

ClinVar aggregate classification (germline): Uncertain significance. Review status: criteria provided, multiple submitters, no conflicts (2 of 4 stars). 2 submissions from 2 submitters: Uncertain significance (2). Last evaluated 2026-01-26.

Conditions:
Inborn genetic diseases. Identifiers: MedGen C0950123, MeSH D030342.
Hyperekplexia 3 (HKPX3). Also called: HYPEREKPLEXIA 3, AUTOSOMAL RECESSIVE; HYPEREKPLEXIA 3, AUTOSOMAL DOMINANT. Identifiers: Orphanet 3197, MedGen C3553288, MONDO:0013827, OMIM 614618.

Allele frequency attached by ClinVar (database versions not stated): TOPMed 0.00050; ExAC 0.00051; gnomAD exomes 0.00051 and 0.00052; ESP Exome Variant Server 0.00054; gnomAD 0.00056 and 0.00057.
gnomAD v4.1: 853 of 1,614,038 alleles (0.053%); highest among the groups gnomAD compares: Non-Finnish European, 0.061%; 1 homozygote.

Submissions (2):

Labcorp Genetics (formerly Invitae), Labcorp
Classification: Uncertain significance for Hyperekplexia 3. Last evaluated: 2026-01-26. Review status: criteria provided, single submitter. Criteria: Invitae Variant Classification Sherloc (09022015). Collection method: clinical testing. Allele origin: germline.
Comment: This sequence change replaces glycine, which is neutral and non-polar, with valine, which is neutral and non-polar, at codon 390 of the SLC6A5 protein (p.Gly390Val). This variant is present in population databases (rs140296233, gnomAD 0.1%), and has an allele count higher than expected for a pathogenic variant. This variant has not been reported in the literature in individuals affected with SLC6A5-related conditions. ClinVar contains an entry for this variant (Variation ID: 304017). Invitae Evidence Modeling of protein sequence and biophysical properties (such as structural, functional, and spatial information, amino acid conservation, physicochemical variation, residue mobility, and thermodynamic stability) has been performed for this missense variant. However, the output from this modeling did not meet the statistical confidence thresholds required to predict the impact of this variant on SLC6A5 protein function. In summary, the available evidence is currently insufficient to determine the role of this variant in disease. Therefore, it has been classified as a Variant of Uncertain Significance.

Ambry Genetics
Classification: Uncertain significance for Inborn genetic diseases. Last evaluated: 2025-06-05. Review status: criteria provided, single submitter. Criteria: Ambry Variant Classification Scheme 2023. Collection method: clinical testing. Allele origin: germline.
Comment: The c.1169G>T (p.G390V) alteration is located in coding exon 7 of the SLC6A5 gene. This alteration results from a G to T substitution at nucleotide position 1169, causing the glycine (G) at amino acid position 390 to be replaced by a valine (V). Based on data from gnomAD, the T allele has an overall frequency of 0.053% (151/282886) total alleles studied. The highest observed frequency was 0.116% (12/10370) of Ashkenazi Jewish alleles. This amino acid position is highly conserved in available vertebrate species. This alteration is predicted to be deleterious by in silico analysis. Based on insufficient or conflicting evidence, the clinical significance of this alteration remains unclear.